The following is an entry in ClinVar:

NM_001370259.2(MEN1):c.241G>A (p.Ala81Thr)

Gene: MEN1 (menin 1; minus strand). Cytogenetic location: 11q13.1.
Variant type: single nucleotide variant.
Coding change: c.241G>A on transcript NM_001370259.2 (MANE Select); coding-DNA position 241, G replaced by A.
Protein change: p.Ala81Thr; replaces alanine 81 with threonine.
Molecular consequence: missense variant.
Genome position (GRCh38, 1-based): chr11:64,809,869, C>T on the plus strand (G>A on the coding strand, the complement: MEN1 is on the minus strand). VCF-style: chr11-64809869-C-T. GRCh37 (hg19) VCF-style: chr11-64577341-C-T.
Other names: c.241G>A (NM_130799.2); c.241G>A, p.Ala81Thr (NM_001370263.2, NM_130799.3, NM_130800.3 and 9 more transcripts); short protein forms A81T.
Identifiers: ClinVar variation 1461708 (VCV001461708.9), dbSNP rs2136188110, ClinGen allele CA381187577.

ClinVar aggregate classification (germline): Uncertain significance. Review status: criteria provided, multiple submitters, no conflicts (2 of 4 stars). 3 submissions from 3 submitters: Uncertain significance (3). Last evaluated 2025-06-26.

Conditions:
Hereditary cancer-predisposing syndrome. Also called: Neoplastic Syndromes, Hereditary; Hereditary Cancer Syndrome; Tumor predisposition; Hereditary neoplastic syndrome. Identifiers: Orphanet 140162, MedGen C0027672, MeSH D009386, MONDO:0015356.
Multiple endocrine neoplasia, type 1 (MEN1). Also called: MEN I; WERMER SYNDROME; Endocrine adenomatosis multiple; MEN 1; MEA I. Identifiers: Orphanet 652, MedGen C0025267, MeSH D018761, MONDO:0007540, OMIM 131100.

Submissions (3):

Color Diagnostics, LLC DBA Color Health
Classification: Uncertain significance for Multiple endocrine neoplasia, type 1. Last evaluated: 2025-06-26. Review status: criteria provided, single submitter. Criteria: ACMG Guidelines, 2015. Collection method: clinical testing. Allele origin: germline.
Comment: This missense variant replaces alanine with threonine at codon 81 of the MEN1 protein. Computational prediction suggests that this variant may not impact protein structure and function. To our knowledge, functional studies have not been reported for this variant. This variant has not been reported in individuals affected with MEN1-related disorders in the literature. This variant has not been identified in the general population by the Genome Aggregation Database (gnomAD). The available evidence is insufficient to determine the role of this variant in disease conclusively. Therefore, this variant is classified as a Variant of Uncertain Significance.

Ambry Genetics
Classification: Uncertain significance for Hereditary cancer-predisposing syndrome. Last evaluated: 2023-12-15. Review status: criteria provided, single submitter. Criteria: Ambry Variant Classification Scheme 2023. Collection method: clinical testing. Allele origin: germline.
Comment: The p.A81T variant (also known as c.241G>A), located in coding exon 1 of the MEN1 gene, results from a G to A substitution at nucleotide position 241. The alanine at codon 81 is replaced by threonine, an amino acid with similar properties. This amino acid position is conserved. In addition, the in silico prediction for this alteration is inconclusive. Since supporting evidence is limited at this time, the clinical significance of this alteration remains unclear.

Labcorp Genetics (formerly Invitae), Labcorp
Classification: Uncertain significance for Multiple endocrine neoplasia, type 1. Last evaluated: 2022-07-27. Review status: criteria provided, single submitter. Criteria: Invitae Variant Classification Sherloc (09022015). Collection method: clinical testing. Allele origin: germline.
Comment: This variant is not present in population databases (gnomAD no frequency). This sequence change replaces alanine, which is neutral and non-polar, with threonine, which is neutral and polar, at codon 81 of the MEN1 protein (p.Ala81Thr). This variant has not been reported in the literature in individuals affected with MEN1-related conditions. In summary, the available evidence is currently insufficient to determine the role of this variant in disease. Therefore, it has been classified as a Variant of Uncertain Significance. Advanced modeling of protein sequence and biophysical properties (such as structural, functional, and spatial information, amino acid conservation, physicochemical variation, residue mobility, and thermodynamic stability) performed at Invitae indicates that this missense variant is not expected to disrupt MEN1 protein function. ClinVar contains an entry for this variant (Variation ID: 1461708).